The following is an entry in ClinVar:

NM_001355436.2(SPTB):c.5750C>T (p.Ser1917Phe)

Gene: SPTB (spectrin beta, erythrocytic; minus strand). Cytogenetic location: 14q23.3.
Variant type: single nucleotide variant.
Coding change: c.5750C>T on transcript NM_001355436.2 (MANE Select); coding-DNA position 5750, C replaced by T.
Protein change: p.Ser1917Phe; replaces serine 1917 with phenylalanine.
Molecular consequence: missense variant.
Genome position (GRCh38, 1-based): chr14:64,770,933, G>A on the plus strand (C>T on the coding strand, the complement: SPTB is on the minus strand). VCF-style: chr14-64770933-G-A. GRCh37 (hg19) VCF-style: chr14-65237651-G-A.
Other names: c.5750C>T (NM_001024858.2); c.5750C>T, p.Ser1917Phe (NM_001024858.4, NM_001355437.2); short protein forms S1917F.
Identifiers: ClinVar variation 1163369 (VCV001163369.16), dbSNP rs149678681, ClinGen allele CA7229871.
Genomic context (GRCh38, chr14:64,770,933, plus strand): 5'-CACTCCCCTCACCTGGGCCTCTCCTGGGTCTCGATCTGCCGGATGATGCTCTCCATCCAG[G>A]AGAGGAGGTCACGGGCCATGCTGAAGAAGCGGAATTTATCCGCCGTGTCCACTAGCTGGG-3'
Protein context (NP_001342365.1, residues 1907-1927): RFFSMARDLL[Ser1917Phe]WMESIIRQIE

ClinVar aggregate classification (germline): Conflicting classifications of pathogenicity. Review status: criteria provided, conflicting classifications (1 of 4 stars). 6 submissions from 6 submitters: Uncertain significance (1); Likely benign (4). 1 of the submissions does not count toward it. Last evaluated 2026-06-01.

Conditions:
SPTB-related disorder. Also called: SPTB-Related Disorders; SPTB-related condition.

Allele frequency attached by ClinVar (database versions not stated): gnomAD 0.00096 and 0.00147; ExAC 0.00097; gnomAD exomes 0.00110 and 0.00142; ESP Exome Variant Server 0.00138; TOPMed 0.00165.
gnomAD v4.1: 2,327 of 1,614,110 alleles (0.14%); highest among the groups gnomAD compares: Non-Finnish European, 0.16%; 13 homozygotes.

Submissions (6):

CeGaT Center for Human Genetics Tuebingen
Classification: Likely benign. Last evaluated: 2026-06-01. Review status: criteria provided, single submitter. Criteria: CeGaT Center For Human Genetics Tuebingen Variant Classification Criteria Version 2. Collection method: clinical testing. Allele origin: germline. Affected: yes. Observed: 1 variant allele.
Comment: SPTB: BP4, BS2

Labcorp Genetics (formerly Invitae), Labcorp
Classification: Likely benign. Last evaluated: 2025-12-24. Review status: criteria provided, single submitter. Criteria: Invitae Variant Classification Sherloc (09022015). Collection method: clinical testing. Allele origin: germline.

Mayo Clinic Laboratories, Mayo Clinic
Classification: Uncertain significance. Last evaluated: 2025-09-19. Review status: criteria provided, single submitter. Criteria: ACMG Guidelines, 2015. Collection method: clinical testing. Allele origin: germline. Observed: 5 variant alleles.
Comment: BP4

Blueprint Genetics
Classification: Likely benign. Last evaluated: 2024-10-09. Review status: criteria provided, single submitter. Criteria: ACMG Guidelines, 2015. Collection method: clinical testing. Allele origin: germline.

ARUP Laboratories, Molecular Genetics and Genomics, ARUP Laboratories
Classification: Likely benign. Last evaluated: 2023-02-25. Review status: criteria provided, single submitter. Criteria: ARUP Molecular Germline Variant Investigation Process 2024. Collection method: clinical testing. Allele origin: germline.

PreventionGenetics, part of Exact Sciences
Classification: Likely benign for SPTB-related condition. Last evaluated: 2022-11-09. Review status: no assertion criteria provided. Collection method: clinical testing. Allele origin: germline. Not counted in ClinVar's aggregate classification.
Comment: This variant is classified as likely benign based on ACMG/AMP sequence variant interpretation guidelines (Richards et al. 2015 PMID: 25741868, with internal and published modifications).

Literature cited by the submitters: PubMed 32436265 (cited by Mayo Clinic Laboratories, Mayo Clinic).